The following is an entry in ClinVar:

NM_001001557.4(GDF6):c.*2122C>T

Gene: GDF6 (growth differentiation factor 6; minus strand). Cytogenetic location: 8q22.1.
Variant type: single nucleotide variant.
Coding change: c.*2122C>T on transcript NM_001001557.4 (MANE Select); 2122 bases downstream of the stop codon, C replaced by T.
Molecular consequence: 3 prime UTR variant.
Genome position (GRCh38, 1-based): chr8:96,142,441, G>A on the plus strand (C>T on the coding strand, the complement: GDF6 is on the minus strand). VCF-style: chr8-96142441-G-A. GRCh37 (hg19) VCF-style: chr8-97154669-G-A.
Identifiers: ClinVar variation 364009 (VCV000364009.5), dbSNP rs183472001, ClinGen allele CA10631716.
Genomic context (GRCh38, chr8:96,142,441, plus strand): 5'-CCAGGAAAGGTGTACTGTAAAAAATGTTTTGATTATTCATTGACCTCTGGTAACTTTAGC[G>A]TTGTAAATACTTGTATTATATGAGGTAGACAGTTTAAAAAAAACTCTCCATTAGACAGAC-3'

ClinVar aggregate classification (germline): Benign (1 of 4 stars; one submission).

Conditions:
Klippel-Feil syndrome 1, autosomal dominant (KFS1). Also called: CERVICAL VERTEBRAL FUSION, AUTOSOMAL DOMINANT. Identifiers: Orphanet 2345, MedGen C1861689, MONDO:0007306, OMIM 118100.

Allele frequency attached by ClinVar (database versions not stated): TOPMed 0.00028; 1000 Genomes Project 30x 0.00047; 1000 Genomes Project 0.00060.
gnomAD v4.1: 43 of 152,154 alleles (0.028%); highest among the groups gnomAD compares: Admixed American, 0.085%; no homozygotes.

Submission:

Illumina Laboratory Services, Illumina
Classification: Benign for Klippel-Feil syndrome 1, autosomal dominant. Last evaluated: 2018-01-12. Review status: criteria provided, single submitter. Criteria: ICSL Variant Classification Criteria 13 December 2019. Collection method: clinical testing. Allele origin: germline.
Comment: This variant was observed in the ICSL laboratory as part of a predisposition screen in an ostensibly healthy population. It had not been previously curated by ICSL or reported in the Human Gene Mutation Database (HGMD: prior to June 1st, 2018), and was therefore a candidate for classification through an automated scoring system. Utilizing variant allele frequency, disease prevalence and penetrance estimates, and inheritance mode, an automated score was calculated to assess if this variant is too frequent to cause the disease. Based on the score and internal cut-off values, a variant classified as benign is not then subjected to further curation. The score for this variant resulted in a classification of benign for this disease.